The following is an entry in ClinVar:

ClinVar aggregate classification (germline): Uncertain significance. Review status: criteria provided, multiple submitters, no conflicts (2 of 4 stars). 2 submissions from 2 submitters: Uncertain significance (2). Last evaluated 2026-03-05.

Conditions:
Neuromuscular disease. Also called: Neuromuscular disorder; Neuromyopathy. Identifiers: Orphanet 68381, MedGen C0027868, MeSH D009468, MONDO:0019056.

Allele frequency attached by ClinVar (database versions not stated): gnomAD 0.00003; ExAC 0.00006; gnomAD exomes 0.00002; 1000 Genomes Project 30x 0.00031; TOPMed 0.00002.
gnomAD v4.1: 32 of 1,555,060 alleles (0.0021%); highest among the groups gnomAD compares: South Asian, 0.0046%; no homozygotes.

Submissions (2):

Broad Center for Mendelian Genomics, Broad Institute of MIT and Harvard
Classification: Uncertain significance for Neuromuscular disease. Last evaluated: 2026-03-05. Review status: criteria provided, single submitter. Criteria: ACMG Guidelines, 2015. Collection method: research. Allele origin: germline. Inheritance: Autosomal recessive inheritance. Study: GREGoR Consortium.
Comment: p.Ser33Leu, c.98C>T (CIAOl; NM_004804.3; Chr2g.96266448C>T; GRCh38}: The p.Ser33Leu variant in CIAOl was identified by whole genome sequencing in an individual with proximal lower extremity muscle weakness consistent with LGMD who harbored a second variant of uncertain significance in CIAOl, but phase of these variants could not be confirmed (Broad Institute Rare Genomes Project). The p.Ser33Leu variant has been identified in 0.005% {4/86234) of South Asian chromosomes by gnomAD. It was also reported in ClinVar {Variation ID 2363924). Computational prediction tools and conservation analyses suggest that this variant may impact the protein, though this information is not predictive enough to determine pathogenicity. Furthermore, although this gene has been reported in association with a syndromic neuromuscular disorder, it currently has moderate evidence for this association. In summary, the clinical significance of this variant is uncertain. ACMG/AMP Criteria applied: PP3, PM2_supporting.

Ambry Genetics
Classification: Uncertain significance. Last evaluated: 2025-05-14. Review status: criteria provided, single submitter. Criteria: Ambry Variant Classification Scheme 2023. Collection method: clinical testing. Allele origin: germline.

NM_004804.3(CIAO1):c.98C>T (p.Ser33Leu)

Gene: CIAO1 (cytosolic iron-sulfur assembly component 1; plus strand). Cytogenetic location: 2q11.2.
Variant type: single nucleotide variant.
Coding change: c.98C>T on transcript NM_004804.3 (MANE Select); coding-DNA position 98, C replaced by T.
Protein change: p.Ser33Leu; replaces serine 33 with leucine.
Molecular consequence: missense variant.
Genome position (GRCh38, 1-based): chr2:96,266,448, C>T. VCF-style: chr2-96266448-C-T. GRCh37 (hg19) VCF-style: chr2-96932186-C-T.
Other names: NM_004804.3(CIAO1):c.98C>T; p.Ser33Leu; short protein forms S33L.
Identifiers: ClinVar variation 2363924 (VCV002363924.4), dbSNP rs760931648, ClinGen allele CA1777425.